The following is an entry in ClinVar:

NM_020166.5(MCCC1):c.2030T>G (p.Met677Arg)

Gene: MCCC1 (methylcrotonyl-CoA carboxylase subunit 1; minus strand). Cytogenetic location: 3q27.1.
Variant type: single nucleotide variant.
Coding change: c.2030T>G on transcript NM_020166.5 (MANE Select); coding-DNA position 2030, T replaced by G.
Protein change: p.Met677Arg; replaces methionine 677 with arginine.
Molecular consequence: missense variant. On other transcripts: non-coding transcript variant (2).
Genome position (GRCh38, 1-based): chr3:183,017,285, A>C on the plus strand (T>G on the coding strand, the complement: MCCC1 is on the minus strand). VCF-style: chr3-183017285-A-C. GRCh37 (hg19) VCF-style: chr3-182735073-A-C.
Other names: c.1679T>G, p.Met560Arg (NM_001293273.2); c.1703T>G, p.Met568Arg (NM_001363880.1); short protein forms M677R, M560R, M568R.
Identifiers: ClinVar variation 476397 (VCV000476397.8), dbSNP rs1553849443, ClinGen allele CA355313913.
Genomic context (GRCh38, chr3:183,017,285, plus strand): 5'-TCCCAAAGTCCTCATAGCAAATGAACTCATGATTTCCTTACCTCCATCTTCATGGCGATC[A>C]TAACCATGAGGGAATCTCCCGCTTTCACTTTGTCTCCAGCTTTGACAAACACCTTGAGAT-3'
Protein context (NP_064551.3, residues 667-687): KVKAGDSLMV[Met677Arg]IAMKMEHTIK

ClinVar aggregate classification (germline): Uncertain significance (1 of 4 stars; one submission).

Conditions:
3-methylcrotonyl-CoA carboxylase 1 deficiency (MCC1D). Also called: MCC 1 deficiency; 3 Alpha methylcrotonylglycinuria 1; MCCD TYPE 1; METHYLCROTONYLGLYCINURIA TYPE I. Identifiers: Orphanet 6, MedGen CN028786, MONDO:0008861, OMIM 210200.

Submission:

Labcorp Genetics (formerly Invitae), Labcorp
Classification: Uncertain significance for 3-methylcrotonyl-CoA carboxylase 1 deficiency. Last evaluated: 2017-03-16. Review status: criteria provided, single submitter. Criteria: Invitae Variant Classification Sherloc (09022015). Collection method: clinical testing. Allele origin: germline.
Comment: Algorithms developed to predict the effect of sequence changes on RNA splicing suggest that this variant may alter RNA splicing, but this prediction has not been confirmed by published transcriptional studies. In summary, this variant is a novel missense change with uncertain impact on protein function. It has been classified as a Variant of Uncertain Significance. Algorithms developed to predict the effect of missense changes on protein structure and function (SIFT, PolyPhen-2, Align-GVGD) all suggest that this variant is likely to be disruptive, but these predictions have not been confirmed by published functional studies. This variant is not present in population databases (ExAC no frequency) and has not been reported in the literature in individuals with a MCCC1-related disease. This sequence change replaces methionine with arginine at codon 677 of the MCCC1 protein (p.Met677Arg). The methionine residue is highly conserved and there is a moderate physicochemical difference between methionine and arginine.